The following is an entry in ClinVar:

ClinVar aggregate classification (germline): Uncertain significance. Review status: criteria provided, single submitter (1 of 4 stars). 2 submissions from 2 submitters: Uncertain significance (1). 1 of the submissions does not count toward it. Last evaluated 2025-07-16.

Conditions:
Retinal dystrophy. Also called: Inherited retinal dystrophy. Identifiers: Orphanet 71862, MedGen C0854723, MeSH D058499, MONDO:0019118, HP:0000556.

gnomAD v4.1: 3 of 1,614,258 alleles (0.00019%); highest among the groups gnomAD compares: Non-Finnish European, 0.00025%; no homozygotes.

Submissions (2):

Mayo Clinic Laboratories, Mayo Clinic
Classification: Uncertain significance. Last evaluated: 2025-07-16. Review status: criteria provided, single submitter. Criteria: ACMG Guidelines, 2015. Collection method: clinical testing. Allele origin: germline. Observed: 1 variant allele.
Comment: PP3_moderate

Institute of Human Genetics, Univ. Regensburg, Univ. Regensburg
Classification: Uncertain significance for Retinal dystrophy. Last evaluated: 2022-01-01. Review status: no assertion criteria provided. Criteria: ACMG Guidelines, 2015. Collection method: clinical testing. Allele origin: germline. Affected: yes. Not counted in ClinVar's aggregate classification.

NM_014053.4(FLVCR1):c.446T>C (p.Leu149Pro)

Gene: FLVCR1 (FLVCR choline and heme transporter 1; plus strand). Cytogenetic location: 1q32.3.
Variant type: single nucleotide variant.
Coding change: c.446T>C on transcript NM_014053.4 (MANE Select); coding-DNA position 446, T replaced by C.
Protein change: p.Leu149Pro; replaces leucine 149 with proline.
Molecular consequence: missense variant.
Genome position (GRCh38, 1-based): chr1:212,858,898, T>C. VCF-style: chr1-212858898-T-C. GRCh37 (hg19) VCF-style: chr1-213032240-T-C.
Other names: p.Leu149Pro; short protein forms L149P.
Identifiers: ClinVar variation 3249145 (VCV003249145.2).